The following is an entry in ClinVar:

NM_000512.5(GALNS):c.949G>C (p.Gly317Arg)

Gene: GALNS (galactosamine (N-acetyl)-6-sulfatase; minus strand). Cytogenetic location: 16q24.3.
Variant type: single nucleotide variant.
Coding change: c.949G>C on transcript NM_000512.5 (MANE Select); coding-DNA position 949, G replaced by C.
Protein change: p.Gly317Arg; replaces glycine 317 with arginine.
Molecular consequence: missense variant.
Genome position (GRCh38, 1-based): chr16:88,832,051, C>G on the plus strand (G>C on the coding strand, the complement: GALNS is on the minus strand). VCF-style: chr16-88832051-C-G. GRCh37 (hg19) VCF-style: chr16-88898459-C-G.
Other names: p.Gly317Arg; c.394G>C, p.Gly132Arg (NM_001323543.2); c.967G>C, p.Gly323Arg (NM_001323544.2); short protein forms G132R, G317R, G323R.
Identifiers: ClinVar variation 1048310 (VCV001048310.25), dbSNP rs556060696, ClinGen allele CA397101217.

ClinVar aggregate classification (germline): Conflicting classifications of pathogenicity. Review status: criteria provided, conflicting classifications (1 of 4 stars). 4 submissions from 4 submitters: Pathogenic (2); Likely pathogenic (1); Uncertain significance (1). Last evaluated 2025-10-08.

Conditions:
Mucopolysaccharidosis, MPS-IV-A (MPS4A). Also called: Mucopolysaccharidosis type IV A; Mucopolysaccharidosis Type IVA; Morquio syndrome A, mild; MORQUIO SYNDROME A; MPS IVA; mucopolysaccharidosis type 4A. Identifiers: Orphanet 309297, Orphanet 582, MedGen C0086651, MONDO:0009659, OMIM 253000.
Abnormality of metabolism/homeostasis. Identifiers: MedGen C4021768, HP:0001939.

Submissions (4):

Foundation for Research in Genetics and Endocrinology, FRIGE's Institute of Human Genetics
Classification: Pathogenic for Mucopolysaccharidosis, MPS-IV-A. Last evaluated: 2025-10-08. Review status: criteria provided, single submitter. Criteria: ACMG Guidelines, 2015. Collection method: clinical testing. Allele origin: germline. Inheritance: Autosomal recessive inheritance. Affected: yes. Observed: 1 compound heterozygote.
Comment: A heterozygous missense variant in exon 9 of the GALNS gene that results in the amino acid substitution of Arginine for glycine at codon 317 was detected. The observed variant c.949G>C (p.Gly317Arg) has not been reported in the 1000 genomes and gnomAD databases. The in-silico prediction of the variant is deleterious by MutationTaster2 and DANN. The reference codon is conserved across species. In summary, the variant meets our criteria to be classified as pathogenic.

Labcorp Genetics (formerly Invitae), Labcorp
Classification: Pathogenic for Mucopolysaccharidosis, MPS-IV-A. Last evaluated: 2023-04-03. Review status: criteria provided, single submitter. Criteria: Invitae Variant Classification Sherloc (09022015). Collection method: clinical testing. Allele origin: germline.
Comment: Advanced modeling of protein sequence and biophysical properties (such as structural, functional, and spatial information, amino acid conservation, physicochemical variation, residue mobility, and thermodynamic stability) performed at Invitae indicates that this missense variant is expected to disrupt GALNS protein function. For these reasons, this variant has been classified as Pathogenic. ClinVar contains an entry for this variant (Variation ID: 1048310). This missense change has been observed in individual(s) with mucopolysaccharidosis type IVA (PMID: 25252036). This variant is not present in population databases (gnomAD no frequency). This sequence change replaces glycine, which is neutral and non-polar, with arginine, which is basic and polar, at codon 317 of the GALNS protein (p.Gly317Arg).

Kariminejad - Najmabadi Pathology & Genetics Center
Classification: Likely pathogenic for Abnormality of metabolism/homeostasis. Last evaluated: 2021-07-10. Review status: criteria provided, single submitter. Criteria: ACMG Guidelines, 2015. Collection method: clinical testing. Allele origin: germline. Affected: yes.

Laboratory of Diagnosis and Therapy of Lysosomal Disorders, University of Padova
Classification: Uncertain significance for Mucopolysaccharidosis, MPS-IV-A. Last evaluated: 2021-02-01. Review status: criteria provided, single submitter. Criteria: ACMG Guidelines, 2015. Collection method: curation. Allele origin: germline. Affected: yes.
Comment: Absent from gnomAD v2.1.1 (PM2_moderate); multiple lines of computational evidence support a deleterious effect on the gene (PP3_supporting)

Literature cited by the submitters: PubMed 25252036 (cited by Labcorp Genetics (formerly Invitae), Labcorp and Laboratory of Diagnosis and Therapy of Lysosomal Disorders, University of Padova); PubMed 34387910 (cited by Laboratory of Diagnosis and Therapy of Lysosomal Disorders, University of Padova).